The following is an entry in ClinVar:

ClinVar aggregate classification (germline): Uncertain significance. Review status: criteria provided, multiple submitters, no conflicts (2 of 4 stars). 2 submissions from 2 submitters: Uncertain significance (2). Last evaluated 2025-06-15.

Conditions:
Inborn genetic diseases. Identifiers: MedGen C0950123, MeSH D030342.

Allele frequency attached by ClinVar (database versions not stated): ExAC 0.00001; gnomAD 0.00001; TOPMed 0.00001.

Submissions (2):

Labcorp Genetics (formerly Invitae), Labcorp
Classification: Uncertain significance. Last evaluated: 2025-06-15. Review status: criteria provided, single submitter. Criteria: Invitae Variant Classification Sherloc (09022015). Collection method: clinical testing. Allele origin: germline.
Comment: This sequence change replaces glutamine, which is neutral and polar, with lysine, which is basic and polar, at codon 1211 of the CARMIL2 protein (p.Gln1211Lys). This variant is present in population databases (rs770986658, gnomAD 0.003%). This variant has not been reported in the literature in individuals affected with CARMIL2-related conditions. ClinVar contains an entry for this variant (Variation ID: 2214784). Invitae Evidence Modeling of protein sequence and biophysical properties (such as structural, functional, and spatial information, amino acid conservation, physicochemical variation, residue mobility, and thermodynamic stability) indicates that this missense variant is not expected to disrupt CARMIL2 protein function with a negative predictive value of 80%. In summary, the available evidence is currently insufficient to determine the role of this variant in disease. Therefore, it has been classified as a Variant of Uncertain Significance.

Ambry Genetics
Classification: Uncertain significance for Inborn genetic diseases. Last evaluated: 2021-08-02. Review status: criteria provided, single submitter. Criteria: Ambry Variant Classification Scheme 2023. Collection method: clinical testing. Allele origin: germline.

NM_001013838.3(CARMIL2):c.3631C>A (p.Gln1211Lys)

Gene: CARMIL2 (capping protein regulator and myosin 1 linker 2; plus strand). Cytogenetic location: 16q22.1.
Variant type: single nucleotide variant.
Coding change: c.3631C>A on transcript NM_001013838.3 (MANE Select); coding-DNA position 3631, C replaced by A.
Protein change: p.Gln1211Lys; replaces glutamine 1211 with lysine.
Molecular consequence: missense variant.
Genome position (GRCh38, 1-based): chr16:67,654,826, C>A. VCF-style: chr16-67654826-C-A. GRCh37 (hg19) VCF-style: chr16-67688729-C-A.
Other names: c.3523C>A, p.Gln1175Lys (NM_001317026.3); short protein forms Q1211K, Q1175K.
Identifiers: ClinVar variation 2214784 (VCV002214784.3), dbSNP rs770986658, ClinGen allele CA8114088.